The following is an entry in ClinVar:

NM_006514.4(SCN10A):c.4486G>A (p.Glu1496Lys)

Gene: SCN10A (sodium voltage-gated channel alpha subunit 10; minus strand). Cytogenetic location: 3p22.2.
Variant type: single nucleotide variant.
Coding change: c.4486G>A on transcript NM_006514.4 (MANE Select); coding-DNA position 4486, G replaced by A.
Protein change: p.Glu1496Lys; replaces glutamic acid 1496 with lysine.
Molecular consequence: missense variant.
Genome position (GRCh38, 1-based): chr3:38,702,010, C>T on the plus strand (G>A on the coding strand, the complement: SCN10A is on the minus strand). VCF-style: chr3-38702010-C-T. GRCh37 (hg19) VCF-style: chr3-38743501-C-T.
Other names: c.4483G>A, p.Glu1495Lys (NM_001293306.2); c.4192G>A, p.Glu1398Lys (NM_001293307.2); short protein forms E1496K, E1398K, E1495K.
Identifiers: ClinVar variation 1740929 (VCV001740929.2), dbSNP rs1203792114, ClinGen allele CA352146606.

ClinVar aggregate classification (germline): Uncertain significance (1 of 4 stars; one submission).

Conditions:
Cardiovascular phenotype. Identifiers: MedGen CN230736.

Allele frequency attached by ClinVar (database versions not stated): gnomAD exomes below 0.00001; TOPMed below 0.00001; gnomAD 0.00001.
gnomAD v4.1: 3 of 1,613,854 alleles (0.00019%); highest among the groups gnomAD compares: African/African-American, 0.0027%; no homozygotes.

Submission:

Ambry Genetics
Classification: Uncertain significance for Cardiovascular phenotype. Last evaluated: 2022-06-06. Review status: criteria provided, single submitter. Criteria: Ambry Variant Classification Scheme 2023. Collection method: clinical testing. Allele origin: germline.
Comment: The p.E1496K variant (also known as c.4486G>A), located in coding exon 26 of the SCN10A gene, results from a G to A substitution at nucleotide position 4486. The glutamic acid at codon 1496 is replaced by lysine, an amino acid with similar properties. This amino acid position is conserved. In addition, this alteration is predicted to be deleterious by in silico analysis. The evidence for this gene-disease relationship is limited; therefore, the clinical significance of this alteration is unclear.